The following is an entry in ClinVar:

NM_005359.6(SMAD4):c.415_416del (p.Pro139fs)

Gene: SMAD4 (SMAD family member 4; plus strand). Cytogenetic location: 18q21.2.
Variant type: Deletion.
Coding change: c.415_416del on transcript NM_005359.6 (MANE Select); coding-DNA positions 415 to 416, 2 bases deleted (CC; older notation c.415_416delCC).
Protein change: p.Pro139fs; shifts the reading frame from proline 139.
Molecular consequence: frameshift variant.
Genome position (GRCh38, 1-based): chr18:51,048,851-51,048,852, CC deleted. VCF-style (leftmost placement, unchanged base first): chr18-51048850-ACC-A. GRCh37 (hg19) VCF-style: chr18-48575220-ACC-A.
Other names: short protein forms P139fs.
Identifiers: ClinVar variation 824629 (VCV000824629.4), dbSNP rs1599182586, ClinGen allele CA915951527.
Genomic context (GRCh38, chr18:51,048,850, plus strand): 5'-GTTTGACTTAAAATGTGATAGTGTCTGTGTGAATCCATATCACTACGAACGAGTTGTATC[ACC>A]TGGAATTGGTAAGTAGACTTTGCTTTCATCCTAAGAAACATAAAGGGAAAAGGATCTCAA-3'

ClinVar aggregate classification (germline): Pathogenic (1 of 4 stars; one submission).

Conditions:
Hereditary cancer-predisposing syndrome. Also called: Neoplastic Syndromes, Hereditary; Tumor predisposition; Hereditary neoplastic syndrome; Hereditary Cancer Syndrome. Identifiers: Orphanet 140162, MedGen C0027672, MeSH D009386, MONDO:0015356.
Familial thoracic aortic aneurysm and aortic dissection (TAAD). Also called: Thoracic aortic aneurysms and dissections. Identifiers: Orphanet 91387, MedGen C4707243, MONDO:0019625.

Submission:

Ambry Genetics
Classification: Pathogenic for Hereditary cancer-predisposing syndrome; Familial thoracic aortic aneurysm and aortic dissection. Last evaluated: 2019-11-08. Review status: criteria provided, single submitter. Criteria: Ambry Variant Classification Scheme 2023. Collection method: clinical testing. Allele origin: germline.
Comment: The c.415_416delCC pathogenic mutation, located in coding exon 2 of the SMAD4 gene, results from a deletion of two nucleotides at nucleotide positions 415 to 416, causing a translational frameshift with a predicted alternate stop codon (p.P139Wfs*3). This alteration is expected to result in loss of function by premature protein truncation or nonsense-mediated mRNA decay. As such, this alteration is interpreted as a disease-causing mutation.